The following is an entry in ClinVar:

NC_000016.9:g.(?_89862294)_(89883024_?)del

Gene: FANCA (FA complementation group A; minus strand). Cytogenetic location: 16q24.3.
Variant type: Deletion.
Identifiers: ClinVar variation 3243230 (VCV003243230.1).

ClinVar aggregate classification (germline): Pathogenic (1 of 4 stars; one submission).

Conditions:
Fanconi anemia (FA). Also called: Fanconi's anemia. Identifiers: Orphanet 84, MedGen C0015625, MeSH D005199, MONDO:0019391.

Submission:

Labcorp Genetics (formerly Invitae), Labcorp
Classification: Pathogenic for Fanconi anemia. Last evaluated: 2024-01-12. Review status: criteria provided, single submitter. Criteria: Invitae Variant Classification Sherloc (09022015). Collection method: clinical testing. Allele origin: unknown.
Comment: This variant is a gross deletion of the genomic region encompassing exon(s) 1-11 of the FANCA gene, which includes the initiator codon. This deletion extends beyond the assayed region for this gene and therefore may encompass additional genes. It is expected to result in an absent or disrupted protein product. Loss-of-function variants in FANCA are known to be pathogenic (PMID: 19367192). A similar copy number variant has been observed in individual(s) with Fanconi anemia (PMID: 19367192, 29098742). For these reasons, this variant has been classified as Pathogenic.

Literature cited by the submitters: PubMed 19367192; PubMed 29098742.